The following is an entry in ClinVar:

NM_024996.7(GFM1):c.604C>T (p.Gln202Ter)

Gene: GFM1 (G elongation factor mitochondrial 1; plus strand). Cytogenetic location: 3q25.32.
Variant type: single nucleotide variant.
Coding change: c.604C>T on transcript NM_024996.7 (MANE Select); coding-DNA position 604, C replaced by T.
Protein change: p.Gln202Ter; replaces glutamine 202 with a stop codon.
Molecular consequence: nonsense. On other transcripts: non-coding transcript variant (2), intron variant (3).
Genome position (GRCh38, 1-based): chr3:158,649,072, C>T. VCF-style: chr3-158649072-C-T. GRCh37 (hg19) VCF-style: chr3-158366861-C-T.
Other names: c.604C>T, p.Gln202Ter (NM_001308164.2, NM_001308166.2, NM_001374355.1); c.379C>T, p.Gln127Ter (NM_001374357.1); c.37C>T, p.Gln13Ter (NM_001374359.1, NM_001374360.1); c.572+2125C>T (NM_001374356.1); c.6-3024C>T (NM_001374361.1); c.235-3028C>T (NM_001374358.1); short protein forms Q202*, Q127*, Q13*.
Identifiers: ClinVar variation 2021918 (VCV002021918.4), dbSNP rs2473948919, ClinGen allele CA355176248.
Genomic context (GRCh38, chr3:158,649,072, plus strand): 5'-AGGTAAACAAGTGTATTTTTATTTTTCAGGTCTAAACTAAATCATAATGCAGCGTTTATG[C>T]AGATACCCATGGGTTTGGAGGGTAATTTTAAAGGTATTGTAGATCTTATTGAGGAACGAG-3'

ClinVar aggregate classification (germline): Pathogenic (1 of 4 stars; one submission).

Allele frequency attached by ClinVar (database versions not stated): gnomAD exomes below 0.00001.

Submission:

Labcorp Genetics (formerly Invitae), Labcorp
Classification: Pathogenic. Last evaluated: 2023-09-06. Review status: criteria provided, single submitter. Criteria: Invitae Variant Classification Sherloc (09022015). Collection method: clinical testing. Allele origin: germline.
Comment: For these reasons, this variant has been classified as Pathogenic. ClinVar contains an entry for this variant (Variation ID: 2021918). This variant has not been reported in the literature in individuals affected with GFM1-related conditions. This variant is not present in population databases (gnomAD no frequency). This sequence change creates a premature translational stop signal (p.Gln202*) in the GFM1 gene. It is expected to result in an absent or disrupted protein product. Loss-of-function variants in GFM1 are known to be pathogenic (PMID: 16632485, 17160893).

Literature cited by the submitters: PubMed 16632485; PubMed 17160893.